The following is an entry in ClinVar:

NM_015102.5(NPHP4):c.135_135+8del

Gene: NPHP4 (nephrocystin 4; minus strand). Cytogenetic location: 1p36.31.
Variant type: Deletion.
Coding change: c.135_135+8del on transcript NM_015102.5 (MANE Select); coding-DNA position 135 through 8 bases into the intron after coding-DNA position 135, 9 bases deleted (GGTAACAAA; older notation c.135_135+8delGGTAACAAA).
Molecular consequence: splice donor variant. On other transcripts: intron variant (1).
Genome position (GRCh38, 1-based): chr1:5,986,147-5,986,155, TTTGTTACC deleted on the plus strand (GGTAACAAA on the coding strand, the reverse complement: NPHP4 is on the minus strand); deleting any 9 consecutive bases within chr1:5,986,147-5,986,156 gives the same sequence; the c. name uses the placement nearest the transcript's 3' end. VCF-style (leftmost placement, unchanged base first): chr1-5986146-TTTTGTTACC-T. GRCh37 (hg19) VCF-style: chr1-6046206-TTTTGTTACC-T.
Other names: c.-1088+6089_-1088+6097del (NM_001291594.2); c.-1095_-1095+8del (NM_001291593.2).
Identifiers: ClinVar variation 1067391 (VCV001067391.8), dbSNP rs2102455183, ClinGen allele CA2499214817.

ClinVar aggregate classification (germline): Likely pathogenic (1 of 4 stars; one submission).

Conditions:
Nephronophthisis. Also called: Juvenile Nephronophthisis. Identifiers: Orphanet 655, MedGen C0687120, MONDO:0019005, HP:0000090.

Submission:

Labcorp Genetics (formerly Invitae), Labcorp
Classification: Likely pathogenic for Nephronophthisis. Last evaluated: 2025-03-17. Review status: criteria provided, single submitter. Criteria: Invitae Variant Classification Sherloc (09022015). Collection method: clinical testing. Allele origin: germline.
Comment: This sequence change affects a donor splice site in intron 2 of the NPHP4 gene. It is expected to disrupt RNA splicing. Variants that disrupt the donor or acceptor splice site typically lead to a loss of protein function (PMID: 16199547), and loss-of-function variants in NPHP4 are known to be pathogenic (PMID: 12205563, 23559409). This variant is not present in population databases (gnomAD no frequency). This variant has not been reported in the literature in individuals affected with NPHP4-related conditions. ClinVar contains an entry for this variant (Variation ID: 1067391). Algorithms developed to predict the effect of sequence changes on RNA splicing suggest that this variant may disrupt the consensus splice site. In summary, the currently available evidence indicates that the variant is pathogenic, but additional data are needed to prove that conclusively. Therefore, this variant has been classified as Likely Pathogenic.

Literature cited by the submitters: PubMed 16199547; PubMed 12205563; PubMed 23559409.